The following is an entry in ClinVar:

NM_004304.5(ALK):c.1962C>G (p.Asn654Lys)

Gene: ALK (ALK receptor tyrosine kinase; minus strand). Cytogenetic location: 2p23.2.
Variant type: single nucleotide variant.
Coding change: c.1962C>G on transcript NM_004304.5 (MANE Select); coding-DNA position 1962, C replaced by G.
Protein change: p.Asn654Lys; replaces asparagine 654 with lysine.
Molecular consequence: missense variant.
Genome position (GRCh38, 1-based): chr2:29,275,178, G>C on the plus strand (C>G on the coding strand, the complement: ALK is on the minus strand). VCF-style: chr2-29275178-G-C. GRCh37 (hg19) VCF-style: chr2-29498044-G-C.
Other names: short protein forms N654K.
Identifiers: ClinVar variation 3650066 (VCV003650066.2).
Genomic context (GRCh38, chr2:29,275,178, plus strand): 5'-GGTCTGTCTTGGTGAATTTTCCCCGGGTTTCAGCTCCTTGTTTGGGTTTCTCTCAAACAG[G>C]TTTCTTGATTTGGGTGCTGTATTCTGCAGGATCTTGTCCTCTCCGCTAACTGCAATAGAG-3'
Protein context (NP_004295.2, residues 644-664): ILQNTAPKSR[Asn654Lys]LFERNPNKEL

ClinVar aggregate classification (germline): Uncertain significance (1 of 4 stars; one submission).

Conditions:
Neuroblastoma, susceptibility to, 3. Also called: ALK-Related Neuroblastic Tumor Susceptibility. Identifiers: Orphanet 635, MedGen C2751681, MONDO:0013083, OMIM 613014.

Submission:

Labcorp Genetics (formerly Invitae), Labcorp
Classification: Uncertain significance for Neuroblastoma, susceptibility to, 3. Last evaluated: 2024-04-16. Review status: criteria provided, single submitter. Criteria: Invitae Variant Classification Sherloc (09022015). Collection method: clinical testing. Allele origin: germline.
Comment: This sequence change replaces asparagine, which is neutral and polar, with lysine, which is basic and polar, at codon 654 of the ALK protein (p.Asn654Lys). This variant is not present in population databases (gnomAD no frequency). This variant has not been reported in the literature in individuals affected with ALK-related conditions. An algorithm developed to predict the effect of missense changes on protein structure and function (PolyPhen-2) suggests that this variant is likely to be disruptive. In summary, the available evidence is currently insufficient to determine the role of this variant in disease. Therefore, it has been classified as a Variant of Uncertain Significance.